The following is an entry in ClinVar:

NM_004525.3(LRP2):c.1787A>C (p.His596Pro)

Gene: LRP2 (LDL receptor related protein 2; minus strand). Cytogenetic location: 2q31.1.
Variant type: single nucleotide variant.
Coding change: c.1787A>C on transcript NM_004525.3 (MANE Select); coding-DNA position 1787, A replaced by C.
Protein change: p.His596Pro; replaces histidine 596 with proline.
Molecular consequence: missense variant.
Genome position (GRCh38, 1-based): chr2:169,275,224, T>G on the plus strand (A>C on the coding strand, the complement: LRP2 is on the minus strand). VCF-style: chr2-169275224-T-G. GRCh37 (hg19) VCF-style: chr2-170131734-T-G.
Other names: short protein forms H596P.
Identifiers: ClinVar variation 1371838 (VCV001371838.8), dbSNP rs1426197900, ClinGen allele CA349143860.

ClinVar aggregate classification (germline): Uncertain significance (1 of 4 stars; one submission).

Submission:

Labcorp Genetics (formerly Invitae), Labcorp
Classification: Uncertain significance. Last evaluated: 2025-09-02. Review status: criteria provided, single submitter. Criteria: Invitae Variant Classification Sherloc (09022015). Collection method: clinical testing. Allele origin: germline.
Comment: This sequence change replaces histidine, which is basic and polar, with proline, which is neutral and non-polar, at codon 596 of the LRP2 protein (p.His596Pro). This variant is not present in population databases (gnomAD no frequency). This variant has not been reported in the literature in individuals affected with LRP2-related conditions. ClinVar contains an entry for this variant (Variation ID: 1371838). Invitae Evidence Modeling of protein sequence and biophysical properties (such as structural, functional, and spatial information, amino acid conservation, physicochemical variation, residue mobility, and thermodynamic stability) indicates that this missense variant is not expected to disrupt LRP2 protein function with a negative predictive value of 80%. In summary, the available evidence is currently insufficient to determine the role of this variant in disease. Therefore, it has been classified as a Variant of Uncertain Significance.